The following is an entry in ClinVar:

NM_013382.7(POMT2):c.2038C>T (p.Leu680=)

Gene: POMT2 (protein O-mannosyltransferase 2; minus strand). Cytogenetic location: 14q24.3.
Variant type: single nucleotide variant.
Coding change: c.2038C>T on transcript NM_013382.7 (MANE Select); coding-DNA position 2038, C replaced by T.
Protein change: p.Leu680=; no amino-acid change (leucine 680 retained).
Molecular consequence: synonymous variant.
Genome position (GRCh38, 1-based): chr14:77,278,503, G>A on the plus strand (C>T on the coding strand, the complement: POMT2 is on the minus strand). VCF-style: chr14-77278503-G-A. GRCh37 (hg19) VCF-style: chr14-77744846-G-A.
Identifiers: ClinVar variation 3056622 (VCV003056622.2), dbSNP rs2503152986, ClinGen allele CA487509449.

ClinVar aggregate classification (germline): Likely benign (0 of 4 stars; one submission).

Conditions:
POMT2-related disorder. Also called: POMT2-related condition.

Submission:

PreventionGenetics, part of Exact Sciences
Classification: Likely benign for POMT2-related condition. Last evaluated: 2021-11-24. Review status: no assertion criteria provided. Collection method: clinical testing. Allele origin: germline.
Comment: This variant is classified as likely benign based on ACMG/AMP sequence variant interpretation guidelines (Richards et al. 2015 PMID: 25741868, with internal and published modifications).